The following is an entry in ClinVar:

ClinVar aggregate classification (germline): Likely pathogenic. Review status: criteria provided, multiple submitters, no conflicts (2 of 4 stars). 3 submissions from 3 submitters: Likely pathogenic (3). Last evaluated 2024-07-30.

Conditions:
Retinitis pigmentosa 25 (RP25). Identifiers: Orphanet 791, MedGen C1864446, MONDO:0011272, OMIM 602772.

Allele frequency attached by ClinVar (database versions not stated): TOPMed below 0.00001; ExAC 0.00001; gnomAD 0.00001; gnomAD exomes 0.00002.
gnomAD v4.1: 8 of 1,568,102 alleles (0.00051%); highest among the groups gnomAD compares: East Asian, 0.014%; no homozygotes.

Submissions (3):

Natera, Inc.
Classification: Likely pathogenic for Retinitis pigmentosa type 25. Last evaluated: 2024-07-30. Review status: criteria provided, single submitter. Criteria: Natera Variant Classification Schema (03/2026). Collection method: clinical testing. Allele origin: germline.
Comment: The c.1057-1G>A variant in EYS is a canonical splice acceptor site variant predicted to affect pre-mRNA splicing, which may result in an abnormal transcript and altered protein product. This variant is expected to result in nonsense mediated decay, truncation, or a dysfunctional protein product. This variant is rare in the general population with a frequency below the threshold expected for the associated phenotype(s). Given the available evidence, this variant is classified as Likely Pathogenic.

Labcorp Genetics (formerly Invitae), Labcorp
Classification: Likely pathogenic. Last evaluated: 2024-01-04. Review status: criteria provided, single submitter. Criteria: Invitae Variant Classification Sherloc (09022015). Collection method: clinical testing. Allele origin: germline.
Comment: This sequence change affects an acceptor splice site in intron 6 of the EYS gene. It is expected to disrupt RNA splicing. Variants that disrupt the donor or acceptor splice site typically lead to a loss of protein function (PMID: 16199547), and loss-of-function variants in EYS are known to be pathogenic (PMID: 18836446, 20333770). This variant is present in population databases (rs776564041, gnomAD 0.02%). Disruption of this splice site has been observed in individual(s) with clinical features of retinitis pigmentosa (PMID: 36464167). ClinVar contains an entry for this variant (Variation ID: 660915). Algorithms developed to predict the effect of sequence changes on RNA splicing suggest that this variant may disrupt the consensus splice site. In summary, the currently available evidence indicates that the variant is pathogenic, but additional data are needed to prove that conclusively. Therefore, this variant has been classified as Likely Pathogenic.

Juno Genomics, Hangzhou Juno Genomics, Inc
Classification: Likely pathogenic for Retinitis pigmentosa 25. Review status: criteria provided, single submitter. Criteria: ACMG Guidelines, 2015. Collection method: clinical testing. Allele origin: germline.
Comment: Null variant in a gene where loss of function (LOF) is a known mechanism of disease.;Absent from controls (or at extremely low frequency if recessive) in Genome Aggregation Database.

Literature cited by the submitters: PubMed 16199547 (cited by Labcorp Genetics (formerly Invitae), Labcorp); PubMed 18836446 (cited by Labcorp Genetics (formerly Invitae), Labcorp); PubMed 20333770 (cited by Labcorp Genetics (formerly Invitae), Labcorp); PubMed 36464167 (cited by Labcorp Genetics (formerly Invitae), Labcorp).

NM_001142800.2(EYS):c.1057-1G>A

Gene: EYS (EGF-like photoreceptor maintenance factor; minus strand). Cytogenetic location: 6q12.
Variant type: single nucleotide variant.
Coding change: c.1057-1G>A on transcript NM_001142800.2 (MANE Select); the canonical splice acceptor site of the intron before coding-DNA position 1057, G replaced by A.
Molecular consequence: splice acceptor variant.
Genome position (GRCh38, 1-based): chr6:65,402,606, C>T on the plus strand (G>A on the coding strand, the complement: EYS is on the minus strand). VCF-style: chr6-65402606-C-T. GRCh37 (hg19) VCF-style: chr6-66112499-C-T.
Other names: c.1057-1G>A (NM_001292009.2, NM_001142801.2, NM_198283.2).
Identifiers: ClinVar variation 660915 (VCV000660915.16), dbSNP rs776564041, ClinGen allele CA3877874.